The following is an entry in ClinVar:

NM_013275.6(ANKRD11):c.7234del (p.Gln2412fs)

Gene: ANKRD11 (ankyrin repeat domain 11; minus strand). Cytogenetic location: 16q24.3.
Variant type: Deletion.
Coding change: c.7234del on transcript NM_013275.6 (MANE Select); coding-DNA position 7234, one base deleted (C; older notation c.7234delC).
Protein change: p.Gln2412fs; shifts the reading frame from glutamine 2412.
Molecular consequence: frameshift variant.
Genome position (GRCh38, 1-based): chr16:89,279,308, G deleted on the plus strand (C on the coding strand, the reverse complement: ANKRD11 is on the minus strand); the first of 2 consecutive G bases (chr16:89,279,308-89,279,309); deleting either gives the same sequence. VCF-style (leftmost placement, unchanged base first): chr16-89279307-TG-T. GRCh37 (hg19) VCF-style: chr16-89345715-TG-T.
Other names: c.7234del, p.Gln2412fs (NM_001256182.2, NM_001256183.2); short protein forms Q2412fs.
Identifiers: ClinVar variation 3256546 (VCV003256546.1).

ClinVar aggregate classification (germline): Pathogenic (1 of 4 stars; one submission).

Conditions:
KBG syndrome (KBGS). Also called: ANKRD11-Related KBG Syndrome. Identifiers: Orphanet 2332, MedGen C0220687, MONDO:0007846, OMIM 148050.

Submission:

Laboratory of Medical Genetics, National & Kapodistrian University of Athens
Classification: Pathogenic for KBG syndrome. Last evaluated: 2024-07-08. Review status: criteria provided, single submitter. Criteria: ACMG Guidelines, 2015. Collection method: clinical testing. Allele origin: de novo. Affected: yes.
Comment: PVS1, PS2, PM2 - The variant is expected to result in an absent or disrupted protein product. Absent from gnomAD population databases. The variant was detected de novo (paternity confirmed).